The following is an entry in ClinVar:

NM_144643.4(SCLT1):c.2066A>T (p.Ter689Leu)

Gene: SCLT1 (sodium channel and clathrin linker 1; minus strand). Cytogenetic location: 4q28.2.
Variant type: single nucleotide variant.
Coding change: c.2066A>T on transcript NM_144643.4 (MANE Select); coding-DNA position 2066, A replaced by T.
Protein change: p.Ter689Leu.
Molecular consequence: stop lost.
Genome position (GRCh38, 1-based): chr4:128,884,478, T>A on the plus strand (A>T on the coding strand, the complement: SCLT1 is on the minus strand). VCF-style: chr4-128884478-T-A. GRCh37 (hg19) VCF-style: chr4-129805633-T-A.
Other names: c.2066A>T (NM_144643.3).
Identifiers: ClinVar variation 1377652 (VCV001377652.7), dbSNP rs774832066, ClinGen allele CA105724128.

ClinVar aggregate classification (germline): Uncertain significance. Review status: criteria provided, multiple submitters, no conflicts (2 of 4 stars). 3 submissions from 3 submitters: Uncertain significance (2). 1 of the submissions does not count toward it. Last evaluated 2025-11-04.

Conditions:
SCLT1-related disorder. Also called: SCLT1-related condition.
Retinal dystrophy. Also called: Inherited retinal dystrophy. Identifiers: Orphanet 71862, MedGen C0854723, MeSH D058499, MONDO:0019118, HP:0000556.

Allele frequency attached by ClinVar (database versions not stated): gnomAD exomes below 0.00001; TOPMed below 0.00001.
gnomAD v4.1: 4 of 1,576,406 alleles (0.00025%); highest among the groups gnomAD compares: East Asian, 0.0022%; no homozygotes.

Submissions (3):

PreventionGenetics, part of Exact Sciences
Classification: Uncertain significance for SCLT1-related condition. Last evaluated: 2025-11-04. Review status: criteria provided, single submitter. Criteria: ACMG Guidelines, 2015. Collection method: clinical testing. Allele origin: germline.
Comment: The SCLT1 c.2066A>T variant is predicted to result in extension of the open reading frame (p.*689Leuext*4). To our knowledge, this variant has not been reported in the literature or in a large population database (gnomAD), indicating this variant is rare. At this time, the clinical significance of this variant is uncertain due to the absence of conclusive functional and genetic evidence.

Labcorp Genetics (formerly Invitae), Labcorp
Classification: Uncertain significance. Last evaluated: 2021-08-27. Review status: criteria provided, single submitter. Criteria: Invitae Variant Classification Sherloc (09022015). Collection method: clinical testing. Allele origin: germline.
Comment: This sequence change disrupts the translational stop signal of the SCLT1 mRNA. It is expected to extend the length of the SCLT1 protein by 4 additional amino acid residues. This variant is not present in population databases (ExAC no frequency). This variant has not been reported in the literature in individuals affected with SCLT1-related conditions. In summary, the available evidence is currently insufficient to determine the role of this variant in disease. Therefore, it has been classified as a Variant of Uncertain Significance.

Institute of Human Genetics, Univ. Regensburg, Univ. Regensburg
Classification: Uncertain significance for Retinal dystrophy. Last evaluated: 2023-01-01. Review status: no assertion criteria provided. Criteria: ACMG Guidelines, 2015. Collection method: clinical testing. Allele origin: germline. Affected: yes. Not counted in ClinVar's aggregate classification.